The following is an entry in ClinVar:

ClinVar aggregate classification (germline): Pathogenic (1 of 4 stars; one submission).

Submission:

Labcorp Genetics (formerly Invitae), Labcorp
Classification: Pathogenic. Last evaluated: 2023-07-10. Review status: criteria provided, single submitter. Criteria: Invitae Variant Classification Sherloc (09022015). Collection method: clinical testing. Allele origin: germline.
Comment: This variant has not been reported in the literature in individuals affected with ITGB4-related conditions. For these reasons, this variant has been classified as Pathogenic. This variant is not present in population databases (gnomAD no frequency). This sequence change creates a premature translational stop signal (p.Thr90Profs*71) in the ITGB4 gene. It is expected to result in an absent or disrupted protein product. Loss-of-function variants in ITGB4 are known to be pathogenic (PMID: 11328943, 16473856).

Literature cited by the submitters: PubMed 11328943; PubMed 16473856.

NM_000213.5(ITGB4):c.268del (p.Thr90fs)

Gene: ITGB4 (integrin subunit beta 4; plus strand). Cytogenetic location: 17q25.1.
Variant type: Deletion.
Coding change: c.268del on transcript NM_000213.5 (MANE Select); coding-DNA position 268, one base deleted (A; older notation c.268delA).
Protein change: p.Thr90fs; shifts the reading frame from threonine 90.
Molecular consequence: frameshift variant.
Genome position (GRCh38, 1-based): chr17:75,727,654, A deleted. VCF-style (leftmost placement, unchanged base first): chr17-75727653-GA-G. GRCh37 (hg19) VCF-style: chr17-73723734-GA-G.
Other names: c.268delA, p.Thr90Profs (NM_001005619.2); c.268del, p.Thr90fs (NM_001005731.3, NM_001321123.2); short protein forms T90fs.
Identifiers: ClinVar variation 2873997 (VCV002873997.3), dbSNP rs2545722019, ClinGen allele CA2739268381.